The following is an entry in ClinVar:

NM_000293.3(PHKB):c.*148T>A

Gene: PHKB (phosphorylase kinase regulatory subunit beta; plus strand). Cytogenetic location: 16q12.1.
Variant type: single nucleotide variant.
Coding change: c.*148T>A on transcript NM_000293.3 (MANE Select); 148 bases downstream of the stop codon, T replaced by A.
Molecular consequence: 3 prime UTR variant.
Genome position (GRCh38, 1-based): chr16:47,699,514, T>A. VCF-style: chr16-47699514-T-A. GRCh37 (hg19) VCF-style: chr16-47733425-T-A.
Other names: c.*148T>A (NM_001031835.3, NM_001363837.1).
Identifiers: ClinVar variation 319367 (VCV000319367.5), dbSNP rs368887864, ClinGen allele CA10647530.

ClinVar aggregate classification (germline): Benign (1 of 4 stars; one submission).

Conditions:
Glycogen storage disease IXb (GSD9B). Also called: GLYCOGENOSIS OF LIVER AND MUSCLE, AUTOSOMAL RECESSIVE; GSD IXb; PHOSPHORYLASE KINASE DEFICIENCY OF LIVER AND MUSCLE, AUTOSOMAL RECESSIVE. Identifiers: Orphanet 79240, MedGen C0543514, MONDO:0009868, OMIM 261750.

Allele frequency attached by ClinVar (database versions not stated): gnomAD 0.00004 and 0.00108; TOPMed 0.00023; gnomAD exomes 0.00322; 1000 Genomes Project 30x 0.00640; 1000 Genomes Project 0.00739.
gnomAD v4.1: 2,407 of 863,782 alleles (0.28%); highest among the groups gnomAD compares: South Asian, 3.1%; 55 homozygotes.

Submission:

Illumina Laboratory Services, Illumina
Classification: Benign for Glycogen storage disease IXb. Last evaluated: 2018-01-12. Review status: criteria provided, single submitter. Criteria: ICSL Variant Classification Criteria 13 December 2019. Collection method: clinical testing. Allele origin: germline.
Comment: This variant was observed in the ICSL laboratory as part of a predisposition screen in an ostensibly healthy population. It had not been previously curated by ICSL or reported in the Human Gene Mutation Database (HGMD: prior to June 1st, 2018), and was therefore a candidate for classification through an automated scoring system. Utilizing variant allele frequency, disease prevalence and penetrance estimates, and inheritance mode, an automated score was calculated to assess if this variant is too frequent to cause the disease. Based on the score and internal cut-off values, a variant classified as benign is not then subjected to further curation. The score for this variant resulted in a classification of benign for this disease.